The following is an entry in ClinVar:

NM_002472.3(MYH8):c.*72T>C

Genes: MYHAS (myosin heavy chain gene cluster antisense RNA; plus strand), MYH8 (myosin heavy chain 8; minus strand). Cytogenetic location: 17p13.1.
Variant type: single nucleotide variant.
Coding change: c.*72T>C on transcript NM_002472.3 (MANE Select); 72 bases downstream of the stop codon, T replaced by C.
Molecular consequence: 3 prime UTR variant.
Genome position (GRCh38, 1-based): chr17:10,390,382, A>G on the plus strand (T>C on the coding strand, the complement: MYH8 is on the minus strand). VCF-style: chr17-10390382-A-G. GRCh37 (hg19) VCF-style: chr17-10293699-A-G.
Identifiers: ClinVar variation 321620 (VCV000321620.8), dbSNP rs184845947, ClinGen allele CA10644803.

ClinVar aggregate classification (germline): Likely benign. Review status: criteria provided, multiple submitters, no conflicts (2 of 4 stars). 3 submissions from 3 submitters: Likely benign (3). Last evaluated 2019-10-28.

Conditions:
Hecht syndrome (DA7). Also called: MOUTH, INABILITY TO OPEN COMPLETELY, AND SHORT FINGER-FLEXOR TENDONS; Dutch-Kentucky syndrome. Identifiers: Orphanet 3377, MedGen C0265226, MONDO:0008016, OMIM 158300. Disease mechanism: gain of function.

Allele frequency attached by ClinVar (database versions not stated): gnomAD exomes 0.00037; 1000 Genomes Project 0.00220; 1000 Genomes Project 30x 0.00234; gnomAD 0.00352 and 0.00388; TOPMed 0.00366.
gnomAD v4.1: 1,085 of 1,576,832 alleles (0.069%); highest among the groups gnomAD compares: African/African-American, 1.2%; 7 homozygotes.

Submissions (3):

GeneDx
Classification: Likely benign. Last evaluated: 2019-10-28. Review status: criteria provided, single submitter. Criteria: GeneDx Variant Classification Process June 2021. Collection method: clinical testing. Allele origin: germline. Affected: yes.

Illumina Laboratory Services, Illumina
Classification: Likely benign for Hecht syndrome. Last evaluated: 2018-01-13. Review status: criteria provided, single submitter. Criteria: ICSL Variant Classification Criteria 13 December 2019. Collection method: clinical testing. Allele origin: germline.
Comment: This variant was observed in the ICSL laboratory as part of a predisposition screen in an ostensibly healthy population. It had not been previously curated by ICSL or reported in the Human Gene Mutation Database (HGMD: prior to June 1st, 2018), and was therefore a candidate for classification through an automated scoring system. Utilizing variant allele frequency, disease prevalence and penetrance estimates, and inheritance mode, an automated score was calculated to assess if this variant is too frequent to cause the disease. Based on the score and internal cut-off values, a variant classified as likely benign is not then subjected to further curation. The score for this variant resulted in a classification of likely benign for this disease.

Breakthrough Genomics
Classification: Likely benign. Review status: criteria provided, single submitter. Criteria: ACMG Guidelines, 2015. Collection method: not provided. Allele origin: germline. Inheritance: Autosomal dominant inheritance. Affected: yes.